The following is an entry in ClinVar:

ClinVar aggregate classification (germline): Uncertain significance (1 of 4 stars; one submission).

Submission:

GeneDx
Classification: Uncertain significance. Last evaluated: 2025-02-19. Review status: criteria provided, single submitter. Criteria: GeneDx Variant Classification Process June 2021. Collection method: clinical testing. Allele origin: germline. Affected: yes.
Comment: Not observed at significant frequency in large population cohorts (gnomAD); In silico analysis supports that this missense variant has a deleterious effect on protein structure/function; Has not been previously published as pathogenic or benign to our knowledge

NM_001379110.1(SLC9A6):c.459T>G (p.Phe153Leu)

Gene: SLC9A6 (solute carrier family 9 member A6; plus strand). Cytogenetic location: Xq26.3.
Variant type: single nucleotide variant.
Coding change: c.459T>G on transcript NM_001379110.1 (MANE Select); coding-DNA position 459, T replaced by G.
Protein change: p.Phe153Leu; replaces phenylalanine 153 with leucine.
Molecular consequence: missense variant.
Genome position (GRCh38, 1-based): chrX:135,998,493, T>G. VCF-style: chrX-135998493-T-G. GRCh37 (hg19) VCF-style: chrX-135080652-T-G.
Other names: c.615T>G, p.Phe205Leu (NM_001042537.2, NM_001438742.1); c.459T>G, p.Phe153Leu (NM_001177651.2, NM_001400909.1, NM_001400910.1 and 2 more transcripts); c.363T>G, p.Phe121Leu (NM_001330652.2, NM_001400913.1); c.519T>G, p.Phe173Leu (NM_006359.3); short protein forms F121L, F153L, F173L, F205L.
Identifiers: ClinVar variation 4076595 (VCV004076595.1).